The following is an entry in ClinVar:

NM_000444.6(PHEX):c.1768+1G>C

Genes: PHEX (phosphate regulating endopeptidase X-linked; plus strand), PTCHD1-AS (PTCHD1 and PHEX antisense RNA; minus strand). Cytogenetic location: Xp22.11.
Variant type: single nucleotide variant.
Coding change: c.1768+1G>C on transcript NM_000444.6 (MANE Select); the canonical splice donor site of the intron after coding-DNA position 1768, G replaced by C.
Molecular consequence: splice donor variant.
Genome position (GRCh38, 1-based): chrX:22,219,104, G>C. VCF-style: chrX-22219104-G-C. GRCh37 (hg19) VCF-style: chrX-22237221-G-C.
Other names: c.1768+1G>C (NM_001282754.2).
Identifiers: ClinVar variation 279976 (VCV000279976.13), dbSNP rs886041296, ClinGen allele CA10603649.

ClinVar aggregate classification (germline): Pathogenic. Review status: criteria provided, multiple submitters, no conflicts (2 of 4 stars). 3 submissions from 3 submitters: Pathogenic (3). Last evaluated 2022-09-17.

Conditions:
Hypophosphatemic rickets. Identifiers: MedGen C1704375, MeSH D063730, MONDO:0024300, HP:0004912.

Submissions (3):

Labcorp Genetics (formerly Invitae), Labcorp
Classification: Pathogenic. Last evaluated: 2022-09-17. Review status: criteria provided, single submitter. Criteria: Invitae Variant Classification Sherloc (09022015). Collection method: clinical testing. Allele origin: germline.
Comment: For these reasons, this variant has been classified as Pathogenic. Algorithms developed to predict the effect of sequence changes on RNA splicing suggest that this variant may disrupt the consensus splice site. ClinVar contains an entry for this variant (Variation ID: 279976). Disruption of this splice site has been observed in individuals with X-linked hypophosphatemic rickets (PMID: 18625346, 24836714). This variant is not present in population databases (gnomAD no frequency). This sequence change affects a donor splice site in intron 17 of the PHEX gene. It is expected to disrupt RNA splicing. Variants that disrupt the donor or acceptor splice site typically lead to a loss of protein function (PMID: 16199547), and loss-of-function variants in PHEX are known to be pathogenic (PMID: 9097956, 9106524, 19219621).

Laboratory of Cyto-molecular Genetics, Department of Anatomy, All India Institute of Medical Sciences (AIIMS), New Delhi
Classification: Pathogenic for Hypophosphatemic rickets. Last evaluated: 2022-02-07. Review status: criteria provided, single submitter. Criteria: ACMG Guidelines, 2015. Collection method: clinical testing. Allele origin: de novo. Affected: yes. Observed: 1 variant allele.
Comment: NC_000023.10(PHEX_v001):c.1768+1G>C;splice site variant at exon 17-intron 17 junction

GeneDx
Classification: Pathogenic. Last evaluated: 2016-10-12. Review status: criteria provided, single submitter. Criteria: GeneDx Variant Classification (06012015). Collection method: clinical testing. Allele origin: germline. Affected: yes.
Comment: The c.1768+1 G>C splice site variant in the PHEX gene has been previously reported in association with X-linked hypophosphatemic rickets (Ichikawa et al., 2008). This pathogenic variant destroys the canonical splice donor site in intron 17, and is expected to cause abnormal gene splicing. Additionally, the variant was not observed in approximately 6,500 individuals of European and African American ancestry in the NHLBI Exome Sequencing Project, indicating it is not a common benign variant in these populations.

Literature cited by the submitters: PubMed 18625346 (cited by Labcorp Genetics (formerly Invitae), Labcorp); PubMed 24836714 (cited by Labcorp Genetics (formerly Invitae), Labcorp); PubMed 16199547 (cited by Labcorp Genetics (formerly Invitae), Labcorp); PubMed 9097956 (cited by Labcorp Genetics (formerly Invitae), Labcorp); PubMed 9106524 (cited by Labcorp Genetics (formerly Invitae), Labcorp); PubMed 19219621 (cited by Labcorp Genetics (formerly Invitae), Labcorp); PubMed 35738466 (cited by Laboratory of Cyto-molecular Genetics, Department of Anatomy, All India Institute of Medical Sciences (AIIMS), New Delhi).